The following is an entry in ClinVar:

ClinVar aggregate classification (germline): Likely pathogenic (1 of 4 stars; one submission).

Conditions:
Muscular dystrophy-dystroglycanopathy (congenital with brain and eye anomalies), type A3. Also called: Muscular dystrophy-dystroglycanopathy (congenital with brain and eye anomalies), type A, 3; Congenital muscular dystrophy-dystroglycanopathy with brain and eye anomalies, type A3; WALKER-WARBURG SYNDROME OR MUSCLE-EYE-BRAIN DISEASE, POMGNT1-RELATED. Identifiers: MedGen C3151519, MONDO:0009667, OMIM 253280.

Submission:

Myriad Genetics, Inc.
Classification: Likely pathogenic for Muscular dystrophy-dystroglycanopathy (congenital with brain and eye anomalies), type A3. Last evaluated: 2021-12-27. Review status: criteria provided, single submitter. Criteria: Myriad Women's Health Autosomal Recessive and X-Linked Classification Criteria (2021). Collection method: clinical testing. Allele origin: unknown.
Comment: NM_017739.3(POMGNT1):c.333T>A(Y111*) is expected to be pathogenic in the context of POMGNT-related disorders. This variant is predicted to lead to an abnormal or absent protein product due to the creation of a premature termination codon in POMGNT1, a gene where loss-of-function variants are known to be pathogenic. Please note: this variant was assessed in the context of healthy population screening.

NM_017739.4(POMGNT1):c.333T>A (p.Tyr111Ter)

Gene: POMGNT1 (protein O-linked mannose N-acetylglucosaminyltransferase 1 (beta 1,2-); minus strand). Cytogenetic location: 1p34.1.
Variant type: single nucleotide variant.
Coding change: c.333T>A on transcript NM_017739.4 (MANE Select); coding-DNA position 333, T replaced by A.
Protein change: p.Tyr111Ter; replaces tyrosine 111 with a stop codon.
Molecular consequence: nonsense. On other transcripts: 5 prime UTR variant (1).
Genome position (GRCh38, 1-based): chr1:46,196,752, A>T on the plus strand (T>A on the coding strand, the complement: POMGNT1 is on the minus strand). VCF-style: chr1-46196752-A-T. GRCh37 (hg19) VCF-style: chr1-46662424-A-T.
Other names: c.333T>A, p.Tyr111Ter (NM_001243766.2, NM_001410783.1); c.267T>A, p.Tyr89Ter (NM_001290129.3); c.-97T>A (NM_001290130.2); short protein forms Y111*, Y89*.
Identifiers: ClinVar variation 1726608 (VCV001726608.2), dbSNP rs752497984, ClinGen allele CA340191562.